The following is an entry in ClinVar:

NM_001040108.2(MLH3):c.2157G>A (p.Trp719Ter)

Gene: MLH3 (mutL homolog 3; minus strand). Cytogenetic location: 14q24.3.
Variant type: single nucleotide variant.
Coding change: c.2157G>A on transcript NM_001040108.2 (MANE Select); coding-DNA position 2157, G replaced by A.
Protein change: p.Trp719Ter; replaces tryptophan 719 with a stop codon.
Molecular consequence: nonsense.
Genome position (GRCh38, 1-based): chr14:75,047,499, C>T on the plus strand (G>A on the coding strand, the complement: MLH3 is on the minus strand). VCF-style: chr14-75047499-C-T. GRCh37 (hg19) VCF-style: chr14-75514202-C-T.
Other names: c.2157G>A, p.Trp719Ter (NM_014381.3); short protein forms W719*.
Identifiers: ClinVar variation 580988 (VCV000580988.6), dbSNP rs1566605241, ClinGen allele CA390441427.
Genomic context (GRCh38, chr14:75,047,499, plus strand): 5'-TGGTTTGGAGAAACCAATTAATTTATCTGTTTTCCTACTATCATTGGAAACGTGTCTATA[C>T]CAGGGGAAAGAGGGGGATGTATCAGATAATATGCAATCTGTTTGTGATTTTTTGCTACCT-3'

ClinVar aggregate classification (germline): Uncertain significance (1 of 4 stars; one submission).

Conditions:
Colorectal cancer, hereditary nonpolyposis, type 7. Identifiers: Orphanet 144, MedGen C1858380, MONDO:0013725, OMIM 614385.

Allele frequency attached by ClinVar (database versions not stated): gnomAD exomes below 0.00001.
gnomAD v4.1: 1 of 1,614,034 alleles (0.000062%); highest among the groups gnomAD compares: African/African-American, 0.0013%; no homozygotes.

Submission:

Labcorp Genetics (formerly Invitae), Labcorp
Classification: Uncertain significance for Colorectal cancer, hereditary nonpolyposis, type 7. Last evaluated: 2021-06-11. Review status: criteria provided, single submitter. Criteria: Invitae Variant Classification Sherloc (09022015). Collection method: clinical testing. Allele origin: germline.
Comment: This sequence change creates a premature translational stop signal (p.Trp719*) in the MLH3 gene. It is expected to result in an absent or disrupted protein product. This variant is not present in population databases (ExAC no frequency). This variant has not been reported in the literature in individuals with MLH3-related disease. The current clinical and genetic evidence is not sufficient to establish whether loss-of-function variants in MLH3 cause disease. In summary, the available evidence is currently insufficient to determine the role of this variant in disease. Therefore, it has been classified as a Variant of Uncertain Significance.